The following is an entry in ClinVar:

NM_198253.3(TERT):c.3351C>T (p.Ala1117=)

Gene: TERT (telomerase reverse transcriptase; minus strand). Cytogenetic location: 5p15.33.
Variant type: single nucleotide variant.
Coding change: c.3351C>T on transcript NM_198253.3 (MANE Select); coding-DNA position 3351, C replaced by T.
Protein change: p.Ala1117=; no amino-acid change (alanine 1117 retained).
Molecular consequence: synonymous variant. On other transcripts: non-coding transcript variant (2).
Genome position (GRCh38, 1-based): chr5:1,253,776, G>A on the plus strand (C>T on the coding strand, the complement: TERT is on the minus strand). VCF-style: chr5-1253776-G-A. GRCh37 (hg19) VCF-style: chr5-1253891-G-A.
Other names: c.3162C>T, p.Ala1054= (NM_001193376.3).
Identifiers: ClinVar variation 242240 (VCV000242240.20), dbSNP rs192377676, ClinGen allele CA3184207.

ClinVar aggregate classification (germline): Likely benign. Review status: criteria provided, multiple submitters, no conflicts (2 of 4 stars). 7 submissions from 7 submitters: Likely benign (6). 1 of the submissions does not count toward it. Last evaluated 2026-01-07.

Conditions:
Idiopathic Pulmonary Fibrosis. Also called: Idiopathic fibrosing alveolitis, chronic form; idiopathic fibrosing alveolitis. Identifiers: Orphanet 2032, MedGen C1800706, MeSH D054990, MONDO:0800504.
Dyskeratosis congenita, autosomal dominant 2. Identifiers: MedGen C3151443, MONDO:0013521, OMIM 613989.
TERT-related disorder. Also called: TERT-related disorders; TERT-related condition.
Dyskeratosis congenita. Identifiers: Orphanet 1775, MedGen C0265965, MONDO:0015780.

Allele frequency attached by ClinVar (database versions not stated): gnomAD exomes 0.00009 and 0.00013; ExAC 0.00014; TOPMed 0.00040; gnomAD 0.00046 and 0.00052; 1000 Genomes Project 30x 0.00047; 1000 Genomes Project 0.00060; ESP Exome Variant Server 0.00062.
gnomAD v4.1: 197 of 1,612,292 alleles (0.012%); highest among the groups gnomAD compares: African/African-American, 0.16%; no homozygotes.

Submissions (7):

Labcorp Genetics (formerly Invitae), Labcorp
Classification: Likely benign for Dyskeratosis congenita, autosomal dominant 2; Idiopathic Pulmonary Fibrosis. Last evaluated: 2026-01-07. Review status: criteria provided, single submitter. Criteria: Invitae Variant Classification Sherloc (09022015). Collection method: clinical testing. Allele origin: germline.

ARUP Laboratories, Molecular Genetics and Genomics, ARUP Laboratories
Classification: Likely benign. Last evaluated: 2024-10-17. Review status: criteria provided, single submitter. Criteria: ARUP Molecular Germline Variant Investigation Process 2024. Collection method: clinical testing. Allele origin: germline.

Blueprint Genetics
Classification: Likely benign. Last evaluated: 2024-06-04. Review status: criteria provided, single submitter. Criteria: ACMG Guidelines, 2015. Collection method: clinical testing. Allele origin: germline.

Ambry Genetics
Classification: Likely benign for Dyskeratosis congenita. Last evaluated: 2022-02-14. Review status: criteria provided, single submitter. Criteria: Ambry Variant Classification Scheme 2023. Collection method: clinical testing. Allele origin: germline.

Sema4
Classification: Likely benign for Dyskeratosis congenita. Last evaluated: 2021-08-13. Review status: criteria provided, single submitter. Criteria: Sema4 Curation Guidelines. Collection method: curation. Allele origin: germline.

Breakthrough Genomics
Classification: Likely benign. Review status: criteria provided, single submitter. Criteria: ACMG Guidelines, 2015. Collection method: not provided. Allele origin: germline. Inheritance: Autosomal recessive inheritance. Affected: yes.

PreventionGenetics, part of Exact Sciences
Classification: Likely benign for TERT-related condition. Last evaluated: 2019-12-13. Review status: no assertion criteria provided. Collection method: clinical testing. Allele origin: germline. Not counted in ClinVar's aggregate classification.
Comment: This variant is classified as likely benign based on ACMG/AMP sequence variant interpretation guidelines (Richards et al. 2015 PMID: 25741868, with internal and published modifications).